The following is an entry in ClinVar:

NM_015346.4(ZFYVE26):c.3368A>G (p.Glu1123Gly)

Gene: ZFYVE26 (zinc finger FYVE-type containing 26; minus strand). Cytogenetic location: 14q24.1.
Variant type: single nucleotide variant.
Coding change: c.3368A>G on transcript NM_015346.4 (MANE Select); coding-DNA position 3368, A replaced by G.
Protein change: p.Glu1123Gly; replaces glutamic acid 1123 with glycine.
Molecular consequence: missense variant.
Genome position (GRCh38, 1-based): chr14:67,785,214, T>C on the plus strand (A>G on the coding strand, the complement: ZFYVE26 is on the minus strand). VCF-style: chr14-67785214-T-C. GRCh37 (hg19) VCF-style: chr14-68251931-T-C.
Other names: short protein forms E1123G.
Identifiers: ClinVar variation 2145934 (VCV002145934.3), dbSNP rs2039617381, ClinGen allele CA390172402.

ClinVar aggregate classification (germline): Uncertain significance (1 of 4 stars; one submission).

Conditions:
Spastic paraplegia. Identifiers: MedGen C0037772, HP:0001258.

Allele frequency attached by ClinVar (database versions not stated): gnomAD exomes below 0.00001; TOPMed below 0.00001; gnomAD 0.00001.
gnomAD v4.1: 6 of 1,613,888 alleles (0.00037%); highest among the groups gnomAD compares: Admixed American, 0.0017%; no homozygotes.

Submission:

Labcorp Genetics (formerly Invitae), Labcorp
Classification: Uncertain significance for Spastic paraplegia. Last evaluated: 2025-01-06. Review status: criteria provided, single submitter. Criteria: Invitae Variant Classification Sherloc (09022015). Collection method: clinical testing. Allele origin: germline.
Comment: This sequence change replaces glutamic acid, which is acidic and polar, with glycine, which is neutral and non-polar, at codon 1123 of the ZFYVE26 protein (p.Glu1123Gly). This variant is not present in population databases (gnomAD no frequency). This variant has not been reported in the literature in individuals affected with ZFYVE26-related conditions. ClinVar contains an entry for this variant (Variation ID: 2145934). An algorithm developed to predict the effect of missense changes on protein structure and function outputs the following: PolyPhen-2: "Benign". The glycine amino acid residue is found in multiple mammalian species, which suggests that this missense change does not adversely affect protein function. In summary, the available evidence is currently insufficient to determine the role of this variant in disease. Therefore, it has been classified as a Variant of Uncertain Significance.